The following is an entry in ClinVar:

ClinVar aggregate classification (germline): Uncertain significance (1 of 4 stars; one submission).

gnomAD v4.1: 3 of 1,614,086 alleles (0.00019%); highest among the groups gnomAD compares: Non-Finnish European, 0.00017%; no homozygotes.

Submission:

Labcorp Genetics (formerly Invitae), Labcorp
Classification: Uncertain significance. Last evaluated: 2024-07-10. Review status: criteria provided, single submitter. Criteria: Invitae Variant Classification Sherloc (09022015). Collection method: clinical testing. Allele origin: germline.
Comment: This sequence change replaces glutamic acid, which is acidic and polar, with lysine, which is basic and polar, at codon 251 of the CASQ1 protein (p.Glu251Lys). This variant is present in population databases (rs770759507, gnomAD 0.003%). This variant has not been reported in the literature in individuals affected with CASQ1-related conditions. Advanced modeling of protein sequence and biophysical properties (such as structural, functional, and spatial information, amino acid conservation, physicochemical variation, residue mobility, and thermodynamic stability) performed at Invitae indicates that this missense variant is not expected to disrupt CASQ1 protein function with a negative predictive value of 80%. In summary, the available evidence is currently insufficient to determine the role of this variant in disease. Therefore, it has been classified as a Variant of Uncertain Significance.

NM_001231.5(CASQ1):c.751G>A (p.Glu251Lys)

Gene: CASQ1 (calsequestrin 1; plus strand). Cytogenetic location: 1q23.2.
Variant type: single nucleotide variant.
Coding change: c.751G>A on transcript NM_001231.5 (MANE Select); coding-DNA position 751, G replaced by A.
Protein change: p.Glu251Lys; replaces glutamic acid 251 with lysine.
Molecular consequence: missense variant.
Genome position (GRCh38, 1-based): chr1:160,195,996, G>A. VCF-style: chr1-160195996-G-A. GRCh37 (hg19) VCF-style: chr1-160165786-G-A.
Other names: short protein forms E251K.
Identifiers: ClinVar variation 3619998 (VCV003619998.2).